The following is an entry in ClinVar:

NM_001001957.2(OR2W3):c.851T>G (p.Leu284Arg)

Gene: OR2W3 (olfactory receptor family 2 subfamily W member 3; plus strand). Cytogenetic location: 1q44.
Variant type: single nucleotide variant.
Coding change: c.851T>G on transcript NM_001001957.2 (MANE Select); coding-DNA position 851, T replaced by G.
Protein change: p.Leu284Arg; replaces leucine 284 with arginine.
Molecular consequence: missense variant.
Genome position (GRCh38, 1-based): chr1:247,896,437, T>G. VCF-style: chr1-247896437-T-G. GRCh37 (hg19) VCF-style: chr1-248059739-T-G.
Other names: short protein forms L284R.
Identifiers: ClinVar variation 1519973 (VCV001519973.6), dbSNP rs2103350294, ClinGen allele CA345596782.

ClinVar aggregate classification (germline): Uncertain significance (1 of 4 stars; one submission).

Submission:

Labcorp Genetics (formerly Invitae), Labcorp
Classification: Uncertain significance. Last evaluated: 2021-10-07. Review status: criteria provided, single submitter. Criteria: Invitae Variant Classification Sherloc (09022015). Collection method: clinical testing. Allele origin: germline.
Comment: In summary, the available evidence is currently insufficient to determine the role of this variant in disease. Therefore, it has been classified as a Variant of Uncertain Significance. Algorithms developed to predict the effect of missense changes on protein structure and function (SIFT, PolyPhen-2, Align-GVGD) all suggest that this variant is likely to be disruptive. This variant has not been reported in the literature in individuals affected with OR2W3-related conditions. This variant is not present in population databases (ExAC no frequency). This sequence change replaces leucine with arginine at codon 284 of the OR2W3 protein (p.Leu284Arg). The leucine residue is highly conserved and there is a moderate physicochemical difference between leucine and arginine.